The following is an entry in ClinVar:

ClinVar aggregate classification (germline): Uncertain significance (1 of 4 stars; one submission).

gnomAD v4.1: 6 of 1,614,048 alleles (0.00037%); highest among the groups gnomAD compares: Admixed American, 0.0083%; no homozygotes.

Submission:

Mayo Clinic Laboratories, Mayo Clinic
Classification: Uncertain significance. Last evaluated: 2023-09-01. Review status: criteria provided, single submitter. Criteria: ACMG Guidelines, 2015. Collection method: clinical testing. Allele origin: germline. Observed: 1 variant allele.
Comment: BP4, PM1, PM2_moderate

NM_021871.4(FGA):c.1121C>A (p.Thr374Asn)

Gene: FGA (fibrinogen alpha chain; minus strand). Cytogenetic location: 4q31.3.
Variant type: single nucleotide variant.
Coding change: c.1121C>A on transcript NM_021871.4 (MANE Select); coding-DNA position 1121, C replaced by A.
Protein change: p.Thr374Asn; replaces threonine 374 with asparagine.
Molecular consequence: missense variant.
Genome position (GRCh38, 1-based): chr4:154,586,308, G>T on the plus strand (C>A on the coding strand, the complement: FGA is on the minus strand). VCF-style: chr4-154586308-G-T. GRCh37 (hg19) VCF-style: chr4-155507460-G-T.
Other names: p.Thr374Asn; c.1121C>A, p.Thr374Asn (NM_000508.5); short protein forms T374N.
Identifiers: ClinVar variation 3379564 (VCV003379564.1).